The following is an entry in ClinVar:

ClinVar aggregate classification (germline): Uncertain significance. Review status: criteria provided, multiple submitters, no conflicts (2 of 4 stars). 2 submissions from 2 submitters: Uncertain significance (2). Last evaluated 2025-06-14.

Conditions:
Baller-Gerold syndrome (BGS). Also called: CRANIOSYNOSTOSIS WITH RADIAL DEFECTS. Identifiers: Orphanet 1225, MedGen C0265308, MONDO:0009039, OMIM 218600.
Inborn genetic diseases. Identifiers: MedGen C0950123, MeSH D030342.

Allele frequency attached by ClinVar (database versions not stated): ExAC 0.00001.
gnomAD v4.1: 2 of 1,609,860 alleles (0.00012%); highest among the groups gnomAD compares: Non-Finnish European, 0.000085%; no homozygotes.

Submissions (2):

Ambry Genetics
Classification: Uncertain significance for Inborn genetic diseases. Last evaluated: 2025-06-14. Review status: criteria provided, single submitter. Criteria: Ambry Variant Classification Scheme 2023. Collection method: clinical testing. Allele origin: germline.
Comment: The p.Y744C variant (also known as c.2231A>G), located in coding exon 14 of the RECQL4 gene, results from an A to G substitution at nucleotide position 2231. The tyrosine at codon 744 is replaced by cysteine, an amino acid with highly dissimilar properties. This amino acid position is conserved. In addition, this alteration is predicted to be deleterious by in silico analysis. Based on the available evidence, the clinical significance of this variant remains unclear.

Labcorp Genetics (formerly Invitae), Labcorp
Classification: Uncertain significance for Baller-Gerold syndrome. Last evaluated: 2024-02-05. Review status: criteria provided, single submitter. Criteria: Invitae Variant Classification Sherloc (09022015). Collection method: clinical testing. Allele origin: germline.
Comment: This sequence change replaces tyrosine, which is neutral and polar, with cysteine, which is neutral and slightly polar, at codon 744 of the RECQL4 protein (p.Tyr744Cys). The frequency data for this variant in the population databases is considered unreliable, as metrics indicate poor data quality at this position in the gnomAD database. This variant has not been reported in the literature in individuals affected with RECQL4-related conditions. ClinVar contains an entry for this variant (Variation ID: 1517257). Advanced modeling of protein sequence and biophysical properties (such as structural, functional, and spatial information, amino acid conservation, physicochemical variation, residue mobility, and thermodynamic stability) performed at Invitae indicates that this missense variant is expected to disrupt RECQL4 protein function with a positive predictive value of 80%. In summary, the available evidence is currently insufficient to determine the role of this variant in disease. Therefore, it has been classified as a Variant of Uncertain Significance.

NM_004260.4(RECQL4):c.2231A>G (p.Tyr744Cys)

Gene: RECQL4 (RecQ like helicase 4; minus strand). Cytogenetic location: 8q24.3.
Variant type: single nucleotide variant.
Coding change: c.2231A>G on transcript NM_004260.4 (MANE Select); coding-DNA position 2231, A replaced by G.
Protein change: p.Tyr744Cys; replaces tyrosine 744 with cysteine.
Molecular consequence: missense variant.
Genome position (GRCh38, 1-based): chr8:144,513,450, T>C on the plus strand (A>G on the coding strand, the complement: RECQL4 is on the minus strand). VCF-style: chr8-144513450-T-C. GRCh37 (hg19) VCF-style: chr8-145738834-T-C.
Other names: c.2231A>G (NM_004260.3); short protein forms Y744C.
Identifiers: ClinVar variation 1517257 (VCV001517257.7), dbSNP rs757576880, ClinGen allele CA4948374.